The following is an entry in ClinVar:

ClinVar aggregate classification (germline): Pathogenic. Review status: criteria provided, multiple submitters, no conflicts (2 of 4 stars). 3 submissions from 3 submitters: Pathogenic (3). Last evaluated 2025-09-04.

Conditions:
Osteogenesis imperfecta type I (OI1). Also called: Lobstein disease; Osteogenesis imperfecta type 1; Classic Non-deforming Osteogenesis Imperfecta with Blue Sclerae; Lobstein's Disease; OI, TYPE I; OSTEOGENESIS IMPERFECTA TARDA. Identifiers: Orphanet 216796, Orphanet 666, MedGen C0023931, MONDO:0008146, OMIM 166200. Disease mechanism: loss of function.

Submissions (3):

Women's Health and Genetics/Laboratory Corporation of America, LabCorp
Classification: Pathogenic for Osteogenesis imperfecta type I. Last evaluated: 2025-09-04. Review status: criteria provided, single submitter. Criteria: LabCorp Variant Classification Summary - May 2015. Collection method: clinical testing. Allele origin: germline.
Comment: Variant summary: COL1A1 c.2829+1G>C is located in a canonical splice-site and is predicted to affect mRNA splicing resulting in a significantly altered protein due to either exon skipping, shortening, or inclusion of intronic material. Variants that disrupt the consensus splice site are a relatively common cause of aberrant splicing and loss of COL1A1 function. Several computational tools predict a significant impact on normal splicing: Four predict the variant abolishes a 5' splicing donor site. However, these predictions have yet to be confirmed by functional studies. The variant was absent in 249928 control chromosomes. c.2829+1G>C has been observed in at least one individual affected with symptoms of Osteogenesis imperfecta type I (e.g., Huang_2021). Additionally, another splice site variant at this same position (c.2829+1G>A) has been reported to ClinVar as pathogenic. To our knowledge, no experimental evidence demonstrating an impact on protein function has been reported. The following publication has been ascertained in the context of this evaluation (PMID: 34963217). ClinVar contains an entry for this variant (Variation ID: 871162). Based on the evidence outlined above, the variant was classified as pathogenic.

Labcorp Genetics (formerly Invitae), Labcorp
Classification: Pathogenic for Osteogenesis imperfecta type I. Last evaluated: 2022-02-22. Review status: criteria provided, single submitter. Criteria: Invitae Variant Classification Sherloc (09022015). Collection method: clinical testing. Allele origin: germline.
Comment: ClinVar contains an entry for this variant (Variation ID: 871162). This sequence change affects a donor splice site in intron 39 of the COL1A1 gene. It is expected to disrupt RNA splicing. Variants that disrupt the donor or acceptor splice site typically lead to a loss of protein function (PMID: 16199547), and loss-of-function variants in COL1A1 are known to be pathogenic (PMID: 7942841, 9295084, 9443882). This variant is not present in population databases (gnomAD no frequency). Disruption of this splice site has been observed in individual(s) with osteogenesis imperfecta (PMID: 30886339). Algorithms developed to predict the effect of sequence changes on RNA splicing suggest that this variant may disrupt the consensus splice site. For these reasons, this variant has been classified as Pathogenic.

CeGaT Center for Human Genetics Tuebingen
Classification: Pathogenic. Last evaluated: 2019-12-01. Review status: criteria provided, single submitter. Criteria: CeGaT Center For Human Genetics Tuebingen Variant Classification Criteria Version 2. Collection method: clinical testing. Allele origin: germline. Affected: yes. Observed: 3 variant alleles.

Literature cited by the submitters: PubMed 34963217 (cited by Women's Health and Genetics/Laboratory Corporation of America, LabCorp); PubMed 16199547 (cited by Labcorp Genetics (formerly Invitae), Labcorp); PubMed 7942841 (cited by Labcorp Genetics (formerly Invitae), Labcorp); PubMed 9295084 (cited by Labcorp Genetics (formerly Invitae), Labcorp); PubMed 9443882 (cited by Labcorp Genetics (formerly Invitae), Labcorp); PubMed 30886339 (cited by Labcorp Genetics (formerly Invitae), Labcorp).

NM_000088.4(COL1A1):c.2829+1G>C

Gene: COL1A1 (collagen type I alpha 1 chain; minus strand). Cytogenetic location: 17q21.33.
Variant type: single nucleotide variant.
Coding change: c.2829+1G>C on transcript NM_000088.4 (MANE Select); the canonical splice donor site of the intron after coding-DNA position 2829, G replaced by C.
Molecular consequence: splice donor variant.
Genome position (GRCh38, 1-based): chr17:50,189,376, C>G on the plus strand (G>C on the coding strand, the complement: COL1A1 is on the minus strand). VCF-style: chr17-50189376-C-G. GRCh37 (hg19) VCF-style: chr17-48266737-C-G.
Identifiers: ClinVar variation 871162 (VCV000871162.46), dbSNP rs72653156, ClinGen allele CA400205357.